The following is an entry in ClinVar:

ClinVar aggregate classification (germline): Uncertain significance (1 of 4 stars; one submission).

Allele frequency attached by ClinVar (database versions not stated): TOPMed below 0.00001.

Submission:

Labcorp Genetics (formerly Invitae), Labcorp
Classification: Uncertain significance. Last evaluated: 2023-07-25. Review status: criteria provided, single submitter. Criteria: Invitae Variant Classification Sherloc (09022015). Collection method: clinical testing. Allele origin: germline.
Comment: This sequence change replaces threonine, which is neutral and polar, with isoleucine, which is neutral and non-polar, at codon 125 of the DPF2 protein (p.Thr125Ile). In summary, the available evidence is currently insufficient to determine the role of this variant in disease. Therefore, it has been classified as a Variant of Uncertain Significance. An algorithm developed to predict the effect of missense changes on protein structure and function (PolyPhen-2) suggests that this variant is likely to be tolerated. This variant has not been reported in the literature in individuals affected with DPF2-related conditions. This variant is not present in population databases (gnomAD no frequency).

NM_006268.5(DPF2):c.374C>T (p.Thr125Ile)

Gene: DPF2 (double PHD fingers 2; plus strand). Cytogenetic location: 11q13.1.
Variant type: single nucleotide variant.
Coding change: c.374C>T on transcript NM_006268.5 (MANE Select); coding-DNA position 374, C replaced by T.
Protein change: p.Thr125Ile; replaces threonine 125 with isoleucine.
Molecular consequence: missense variant.
Genome position (GRCh38, 1-based): chr11:65,341,471, C>T. VCF-style: chr11-65341471-C-T. GRCh37 (hg19) VCF-style: chr11-65108942-C-T.
Other names: c.374C>T, p.Thr125Ile (NM_001330308.2); short protein forms T125I.
Identifiers: ClinVar variation 2982028 (VCV002982028.3), dbSNP rs1854369963, ClinGen allele CA381250570.